The following is an entry in ClinVar:

NM_006218.4(PIK3CA):c.466C>G (p.Leu156Val)

Gene: PIK3CA (phosphatidylinositol-4,5-bisphosphate 3-kinase catalytic subunit alpha; plus strand). Cytogenetic location: 3q26.32.
Variant type: single nucleotide variant.
Coding change: c.466C>G on transcript NM_006218.4 (MANE Select); coding-DNA position 466, C replaced by G.
Protein change: p.Leu156Val; replaces leucine 156 with valine.
Molecular consequence: missense variant.
Genome position (GRCh38, 1-based): chr3:179,199,803, C>G. VCF-style: chr3-179199803-C-G. GRCh37 (hg19) VCF-style: chr3-178917591-C-G.
Other names: short protein forms L156V.
Identifiers: ClinVar variation 2189737 (VCV002189737.5), dbSNP rs201705993, ClinGen allele CA2710542.

ClinVar aggregate classification (germline): Uncertain significance. Review status: criteria provided, multiple submitters, no conflicts (2 of 4 stars). 2 submissions from 2 submitters: Uncertain significance (2). Last evaluated 2026-03-13.

Conditions:
Cowden syndrome (CS). Also called: Cowden's disease; Cowden's syndrome; Cowden disease. Identifiers: Orphanet 201, MedGen C0018553, MONDO:0016063. Disease mechanism: gain of function.
Inborn genetic diseases. Identifiers: MedGen C0950123, MeSH D030342.

Allele frequency attached by ClinVar (database versions not stated): ExAC 0.00001.
gnomAD v4.1: 6 of 1,612,264 alleles (0.00037%); highest among the groups gnomAD compares: South Asian, 0.0055%; no homozygotes.

Submissions (2):

Ambry Genetics
Classification: Uncertain significance for Inborn genetic diseases. Last evaluated: 2026-03-13. Review status: criteria provided, single submitter. Criteria: Ambry Variant Classification Scheme 2023. Collection method: clinical testing. Allele origin: germline.
Comment: The p.L156V variant (also known as c.466C>G), located in coding exon 2 of the PIK3CA gene, results from a C to G substitution at nucleotide position 466. The leucine at codon 156 is replaced by valine, an amino acid with highly similar properties. This amino acid position is conserved. In addition, this alteration is predicted to be tolerated by in silico analysis. Based on the available evidence, the clinical significance of this variant remains unclear.

Labcorp Genetics (formerly Invitae), Labcorp
Classification: Uncertain significance for Cowden syndrome. Last evaluated: 2022-06-27. Review status: criteria provided, single submitter. Criteria: Invitae Variant Classification Sherloc (09022015). Collection method: clinical testing. Allele origin: germline.
Comment: Advanced modeling of protein sequence and biophysical properties (such as structural, functional, and spatial information, amino acid conservation, physicochemical variation, residue mobility, and thermodynamic stability) performed at Invitae indicates that this missense variant is not expected to disrupt PIK3CA protein function. In summary, the available evidence is currently insufficient to determine the role of this variant in disease. Therefore, it has been classified as a Variant of Uncertain Significance. This variant has not been reported in the literature in individuals affected with PIK3CA-related conditions. This sequence change replaces leucine, which is neutral and non-polar, with valine, which is neutral and non-polar, at codon 156 of the PIK3CA protein (p.Leu156Val). This variant is present in population databases (rs201705993, gnomAD 0.01%).